The following is an entry in ClinVar:

NM_004329.3(BMPR1A):c.215T>C (p.Ile72Thr)

Gene: BMPR1A (bone morphogenetic protein receptor type 1A; plus strand). Cytogenetic location: 10q23.2.
Variant type: single nucleotide variant.
Coding change: c.215T>C on transcript NM_004329.3 (MANE Select); coding-DNA position 215, T replaced by C.
Protein change: p.Ile72Thr; replaces isoleucine 72 with threonine.
Molecular consequence: missense variant.
Genome position (GRCh38, 1-based): chr10:86,890,209, T>C. VCF-style: chr10-86890209-T-C. GRCh37 (hg19) VCF-style: chr10-88649966-T-C.
Other names: short protein forms I72T.
Identifiers: ClinVar variation 1314884 (VCV001314884.4), dbSNP rs2133396638, ClinGen allele CA377447196.
Genomic context (GRCh38, chr10:86,890,209, plus strand): 5'-CAGAGGATACCTTGCCTTTTTTAAAGTGCTATTGCTCAGGGCACTGTCCAGATGATGCTA[T>C]TAATAACACATGCATGTAAGTATTTTATGCAGCCCTTCTTAAGAGTTAGGAGAATAGAGT-3'
Protein context (NP_004320.2, residues 62-82): YCSGHCPDDA[Ile72Thr]NNTCITNGHC

ClinVar aggregate classification (germline): Uncertain significance. Review status: criteria provided, multiple submitters, no conflicts (2 of 4 stars). 2 submissions from 2 submitters: Uncertain significance (2). Last evaluated 2026-02-26.

Conditions:
Hereditary cancer-predisposing syndrome. Also called: Hereditary neoplastic syndrome; Tumor predisposition; Neoplastic Syndromes, Hereditary; Hereditary Cancer Syndrome. Identifiers: Orphanet 140162, MedGen C0027672, MeSH D009386, MONDO:0015356.

Submissions (2):

Ambry Genetics
Classification: Uncertain significance for Hereditary cancer-predisposing syndrome. Last evaluated: 2026-02-26. Review status: criteria provided, single submitter. Criteria: Ambry Variant Classification Scheme 2023. Collection method: clinical testing. Allele origin: germline.

GeneDx
Classification: Uncertain significance. Last evaluated: 2021-04-15. Review status: criteria provided, single submitter. Criteria: GeneDx Variant Classification Process June 2021. Collection method: clinical testing. Allele origin: germline. Affected: yes.
Comment: Not observed in large population cohorts (Lek 2016); In silico analysis supports that this missense variant does not alter protein structure/function; Has not been previously published as pathogenic or benign to our knowledge